The following is an entry in ClinVar:

ClinVar aggregate classification (germline): Benign (1 of 4 stars; one submission).

Conditions:
Progressive myoclonic epilepsy. Also called: Progressive myoclonus epilepsy; Myoclonus epilepsy; Familial progressive myoclonic epilepsy; Myoclonic Epilepsies, Progressive. Identifiers: Orphanet 308, Orphanet 98261, MedGen C0751778, MONDO:0020074.

Allele frequency attached by ClinVar (database versions not stated): 1000 Genomes Project 0.02097; 1000 Genomes Project 30x 0.02264; gnomAD 0.02708 and 0.02734; TOPMed 0.02836.

Submission:

Illumina Laboratory Services, Illumina
Classification: Benign for Progressive myoclonic epilepsy. Last evaluated: 2018-01-13. Review status: criteria provided, single submitter. Criteria: ICSL Variant Classification Criteria 13 December 2019. Collection method: clinical testing. Allele origin: germline.
Comment: This variant was observed in the ICSL laboratory as part of a predisposition screen in an ostensibly healthy population. It had not been previously curated by ICSL or reported in the Human Gene Mutation Database (HGMD: prior to June 1st, 2018), and was therefore a candidate for classification through an automated scoring system. Utilizing variant allele frequency, disease prevalence and penetrance estimates, and inheritance mode, an automated score was calculated to assess if this variant is too frequent to cause the disease. Based on the score and internal cut-off values, a variant classified as benign is not then subjected to further curation. The score for this variant resulted in a classification of benign for this disease.

NM_198859.4(PRICKLE2):c.*2567A>T

Genes: PRICKLE2 (prickle planar cell polarity protein 2; minus strand), PRICKLE2-AS1 (PRICKLE2 antisense RNA 1; plus strand). Cytogenetic location: 3p14.1.
Variant type: single nucleotide variant.
Coding change: c.*2567A>T on transcript NM_198859.4 (MANE Select); 2567 bases downstream of the stop codon, A replaced by T.
Molecular consequence: 3 prime UTR variant.
Genome position (GRCh38, 1-based): chr3:64,096,484, T>A on the plus strand (A>T on the coding strand, the complement: PRICKLE2 is on the minus strand). VCF-style: chr3-64096484-T-A. GRCh37 (hg19) VCF-style: chr3-64082160-T-A.
Other names: c.*2567A>T (NM_001370528.1).
Identifiers: ClinVar variation 346440 (VCV000346440.5), dbSNP rs62249881, ClinGen allele CA10616550.